The following is an entry in ClinVar:

ClinVar aggregate classification (germline): Uncertain significance (1 of 4 stars; one submission).

Submission:

Labcorp Genetics (formerly Invitae), Labcorp
Classification: Uncertain significance. Last evaluated: 2025-06-29. Review status: criteria provided, single submitter. Criteria: Invitae Variant Classification Sherloc (09022015). Collection method: clinical testing. Allele origin: germline.
Comment: This sequence change replaces glutamic acid, which is acidic and polar, with alanine, which is neutral and non-polar, at codon 554 of the CENPF protein (p.Glu554Ala). This variant is not present in population databases (gnomAD no frequency). This variant has not been reported in the literature in individuals affected with CENPF-related conditions. An algorithm developed to predict the effect of missense changes on protein structure and function (PolyPhen-2) suggests that this variant is likely to be tolerated. In summary, the available evidence is currently insufficient to determine the role of this variant in disease. Therefore, it has been classified as a Variant of Uncertain Significance.

NM_016343.4(CENPF):c.1661A>C (p.Glu554Ala)

Gene: CENPF (centromere protein F; plus strand). Cytogenetic location: 1q41.
Variant type: single nucleotide variant.
Coding change: c.1661A>C on transcript NM_016343.4 (MANE Select); coding-DNA position 1661, A replaced by C.
Protein change: p.Glu554Ala; replaces glutamic acid 554 with alanine.
Molecular consequence: missense variant.
Genome position (GRCh38, 1-based): chr1:214,639,999, A>C. VCF-style: chr1-214639999-A-C. GRCh37 (hg19) VCF-style: chr1-214813342-A-C.
Other names: short protein forms E554A.
Identifiers: ClinVar variation 4721937 (VCV004721937.1).